The following is an entry in ClinVar:

ClinVar aggregate classification (germline): Uncertain significance (1 of 4 stars; one submission).

gnomAD v4.1: 2 of 1,614,050 alleles (0.00012%); highest among the groups gnomAD compares: Non-Finnish European, 0.00017%; no homozygotes.

Submission:

Women's Health and Genetics/Laboratory Corporation of America, LabCorp
Classification: Uncertain significance. Last evaluated: 2025-11-14. Review status: criteria provided, single submitter. Criteria: LabCorp Variant Classification Summary - May 2015. Collection method: clinical testing. Allele origin: germline.
Comment: Variant summary: ASS1 c.34A>G (p.Ser12Gly) results in a non-conservative amino acid change located in the N-terminal domain (IPR048267) of the encoded protein sequence. Algorithms developed to predict the effect of missense changes on protein structure and function all suggest that this variant is likely to be disruptive. The variant was absent in 251148 control chromosomes (gnomAD). c.34A>G has been observed in compound heterozygous and homozygous state in individuals affected with Citrullinemia Type I (Kim_2022, Vela-Amieva_2024). These data indicate that the variant may be associated with disease. To our knowledge, no experimental evidence demonstrating an impact on protein function has been reported. The following publications have been ascertained in the context of this evaluation (PMID: 36544340, 39519275). No submitters have cited clinical-significance assessments for this variant to ClinVar. Based on the evidence outlined above, the variant was classified as VUS-possibly pathogenic.

Literature cited by the submitters: PubMed 36544340; PubMed 39519275.

NM_054012.4(ASS1):c.34A>G (p.Ser12Gly)

Gene: ASS1 (argininosuccinate synthase 1; plus strand). Cytogenetic location: 9q34.11.
Variant type: single nucleotide variant.
Coding change: c.34A>G on transcript NM_054012.4 (MANE Select); coding-DNA position 34, A replaced by G.
Protein change: p.Ser12Gly; replaces serine 12 with glycine.
Molecular consequence: missense variant.
Genome position (GRCh38, 1-based): chr9:130,452,262, A>G. VCF-style: chr9-130452262-A-G. GRCh37 (hg19) VCF-style: chr9-133327649-A-G.
Other names: c.34A>G, p.Ser12Gly (NM_000050.4); short protein forms S12G.
Identifiers: ClinVar variation 4536690 (VCV004536690.1).